The following is an entry in ClinVar:

NM_000416.3(IFNGR1):c.109A>G (p.Ile37Val)

Gene: IFNGR1 (interferon gamma receptor 1; minus strand). Cytogenetic location: 6q23.3.
Variant type: single nucleotide variant.
Coding change: c.109A>G on transcript NM_000416.3 (MANE Select); coding-DNA position 109, A replaced by G.
Protein change: p.Ile37Val; replaces isoleucine 37 with valine.
Molecular consequence: missense variant. On other transcripts: 5 prime UTR variant (1).
Genome position (GRCh38, 1-based): chr6:137,207,054, T>C on the plus strand (A>G on the coding strand, the complement: IFNGR1 is on the minus strand). VCF-style: chr6-137207054-T-C. GRCh37 (hg19) VCF-style: chr6-137528191-T-C.
Other names: c.79A>G, p.Ile27Val (NM_001363526.1); c.-15A>G (NM_001363527.1); short protein forms I27V, I37V.
Identifiers: ClinVar variation 3613170 (VCV003613170.2).

ClinVar aggregate classification (germline): Uncertain significance (1 of 4 stars; one submission).

Conditions:
Disseminated atypical mycobacterial infection. Identifiers: MedGen C0694566.

gnomAD v4.1: 4 of 1,613,994 alleles (0.00025%); highest among the groups gnomAD compares: Admixed American, 0.0017%; no homozygotes.

Submission:

Labcorp Genetics (formerly Invitae), Labcorp
Classification: Uncertain significance for Disseminated atypical mycobacterial infection. Last evaluated: 2024-07-17. Review status: criteria provided, single submitter. Criteria: Invitae Variant Classification Sherloc (09022015). Collection method: clinical testing. Allele origin: germline.
Comment: This sequence change replaces isoleucine, which is neutral and non-polar, with valine, which is neutral and non-polar, at codon 37 of the IFNGR1 protein (p.Ile37Val). This variant is present in population databases (no rsID available, gnomAD 0.003%). This variant has not been reported in the literature in individuals affected with IFNGR1-related conditions. Advanced modeling of protein sequence and biophysical properties (such as structural, functional, and spatial information, amino acid conservation, physicochemical variation, residue mobility, and thermodynamic stability) performed at Invitae indicates that this missense variant is not expected to disrupt IFNGR1 protein function with a negative predictive value of 80%. In summary, the available evidence is currently insufficient to determine the role of this variant in disease. Therefore, it has been classified as a Variant of Uncertain Significance.